The following is an entry in ClinVar:

ClinVar aggregate classification (germline): Likely benign (0 of 4 stars; one submission).

Conditions:
GLA-related disorder. Also called: GLA-related condition.

Submission:

PreventionGenetics, part of Exact Sciences
Classification: Likely benign for GLA-related condition. Last evaluated: 2021-11-14. Review status: no assertion criteria provided. Collection method: clinical testing. Allele origin: germline.
Comment: This variant is classified as likely benign based on ACMG/AMP sequence variant interpretation guidelines (Richards et al. 2015 PMID: 25741868, with internal and published modifications).

NM_000169.3(GLA):c.999+77del

Genes: GLA (galactosidase alpha; minus strand), RPL36A-HNRNPH2 (RPL36A-HNRNPH2 readthrough; plus strand). Cytogenetic location: Xq22.1.
Variant type: Deletion.
Coding change: c.999+77del on transcript NM_000169.3 (MANE Select); 77 bases into the intron after coding-DNA position 999, one base deleted (T; older notation c.999+77delT).
Molecular consequence: intron variant. On other transcripts: frameshift variant (1).
Genome position (GRCh38, 1-based): chrX:101,398,293, A deleted on the plus strand (T on the coding strand, the reverse complement: GLA is on the minus strand); the first of 7 consecutive A bases (chrX:101,398,293-101,398,299); deleting any one gives the same sequence. VCF-style (leftmost placement, unchanged base first): chrX-101398292-GA-G. GRCh37 (hg19) VCF-style: chrX-100653280-GA-G.
Other names: c.1076del, p.Phe359fs (NM_001406748.1); c.300+2842del (NM_001199973.2); c.177+6477del (NM_001199974.2); c.1122+77del (NM_001406747.1); short protein forms F359fs.
Identifiers: ClinVar variation 3355550 (VCV003355550.1).